The following is an entry in ClinVar:

ClinVar aggregate classification (germline): Uncertain significance. Review status: criteria provided, multiple submitters, no conflicts (2 of 4 stars). 5 submissions from 5 submitters: Uncertain significance (5). Last evaluated 2025-04-21.

Conditions:
Hereditary spastic paraplegia 39 (SPG39). Also called: Spastic Paraplegia Type 39 (SPG39); SPASTIC PARAPLEGIA 39, AUTOSOMAL RECESSIVE. Identifiers: Orphanet 139480, MedGen C2677586, MONDO:0012787, OMIM 612020.

Allele frequency attached by ClinVar (database versions not stated): ESP Exome Variant Server 0.00008; TOPMed 0.00008; gnomAD 0.00010 and 0.00011; gnomAD exomes 0.00014 and 0.00027; ExAC 0.00018.
gnomAD v4.1: 402 of 1,613,978 alleles (0.025%); highest among the groups gnomAD compares: Non-Finnish European, 0.033%; no homozygotes.

Submissions (5):

Mayo Clinic Laboratories, Mayo Clinic
Classification: Uncertain significance. Last evaluated: 2025-04-21. Review status: criteria provided, single submitter. Criteria: ACMG Guidelines, 2015. Collection method: clinical testing. Allele origin: germline. Observed: 1 variant allele.
Comment: BP4, PP2, PM2_supporting

Blueprint Genetics
Classification: Uncertain significance. Last evaluated: 2024-11-27. Review status: criteria provided, single submitter. Criteria: ACMG Guidelines, 2015. Collection method: clinical testing. Allele origin: germline.

Labcorp Genetics (formerly Invitae), Labcorp
Classification: Uncertain significance for Hereditary spastic paraplegia 39. Last evaluated: 2022-08-31. Review status: criteria provided, single submitter. Criteria: Invitae Variant Classification Sherloc (09022015). Collection method: clinical testing. Allele origin: germline.
Comment: This sequence change replaces glutamine, which is neutral and polar, with glutamic acid, which is acidic and polar, at codon 1193 of the PNPLA6 protein (p.Gln1193Glu). This variant is present in population databases (rs375024068, gnomAD 0.03%). This variant has not been reported in the literature in individuals affected with PNPLA6-related conditions. ClinVar contains an entry for this variant (Variation ID: 409996). Algorithms developed to predict the effect of missense changes on protein structure and function (SIFT, PolyPhen-2, Align-GVGD) all suggest that this variant is likely to be tolerated. In summary, the available evidence is currently insufficient to determine the role of this variant in disease. Therefore, it has been classified as a Variant of Uncertain Significance.

CeGaT Center for Human Genetics Tuebingen
Classification: Uncertain significance. Last evaluated: 2017-08-01. Review status: criteria provided, single submitter. Criteria: CeGaT Center For Human Genetics Tuebingen Variant Classification Criteria Version 2. Collection method: clinical testing. Allele origin: germline. Affected: yes. Observed: 1 variant allele.

Athena Diagnostics
Classification: Uncertain significance. Last evaluated: 2016-08-15. Review status: criteria provided, single submitter. Criteria: Athena Diagnostics Criteria. Collection method: clinical testing. Allele origin: germline.

Literature cited by the submitters: PubMed 28749476 (cited by Mayo Clinic Laboratories, Mayo Clinic).

NM_001166114.2(PNPLA6):c.3691C>G (p.Gln1231Glu)

Gene: PNPLA6 (patatin like domain 6, lysophospholipase; plus strand). Cytogenetic location: 19p13.2.
Variant type: single nucleotide variant.
Coding change: c.3691C>G on transcript NM_001166114.2 (MANE Select); coding-DNA position 3691, C replaced by G.
Protein change: p.Gln1231Glu; replaces glutamine 1231 with glutamic acid.
Molecular consequence: missense variant.
Genome position (GRCh38, 1-based): chr19:7,559,143, C>G. VCF-style: chr19-7559143-C-G. GRCh37 (hg19) VCF-style: chr19-7624029-C-G.
Other names: p.Gln1193Glu; c.3721C>G, p.Gln1241Glu (NM_001166111.2); c.3496C>G, p.Gln1166Glu (NM_001166112.2); c.3577C>G, p.Gln1193Glu (NM_001166113.1, NM_006702.5); short protein forms Q1193E, Q1241E, Q1231E, Q1166E.
Identifiers: ClinVar variation 409996 (VCV000409996.48), dbSNP rs375024068, ClinGen allele CA9140535.